The following is an entry in ClinVar:

ClinVar aggregate classification (germline): Uncertain significance. Review status: criteria provided, multiple submitters, no conflicts (2 of 4 stars). 2 submissions from 2 submitters: Uncertain significance (2). Last evaluated 2026-08-03.

Conditions:
TUB-related disorder. Also called: TUB-related condition.

Allele frequency attached by ClinVar (database versions not stated): gnomAD 0.00001; gnomAD exomes 0.00001 and 0.00002; ExAC 0.00002; TOPMed 0.00002; ESP Exome Variant Server 0.00008.
gnomAD v4.1: 16 of 1,614,084 alleles (0.00099%); highest among the groups gnomAD compares: East Asian, 0.0045%; no homozygotes.

Submissions (2):

PreventionGenetics, part of Exact Sciences
Classification: Uncertain significance for TUB-related condition. Last evaluated: 2026-08-03. Review status: criteria provided, single submitter. Criteria: ACMG Guidelines, 2015. Collection method: clinical testing. Allele origin: germline.
Comment: The TUB c.998G>A variant is predicted to result in the amino acid substitution p.Arg333Gln. To our knowledge, this variant has not been reported in the literature. This variant is reported in 0.010% of alleles in individuals of East Asian descent in gnomAD. At this time, the clinical significance of this variant is uncertain due to the absence of conclusive functional and genetic evidence.

Labcorp Genetics (formerly Invitae), Labcorp
Classification: Uncertain significance. Last evaluated: 2024-11-18. Review status: criteria provided, single submitter. Criteria: Invitae Variant Classification Sherloc (09022015). Collection method: clinical testing. Allele origin: germline.
Comment: This sequence change replaces arginine, which is basic and polar, with glutamine, which is neutral and polar, at codon 333 of the TUB protein (p.Arg333Gln). This variant is present in population databases (rs371203227, gnomAD 0.01%). This variant has not been reported in the literature in individuals affected with TUB-related conditions. ClinVar contains an entry for this variant (Variation ID: 1025993). An algorithm developed to predict the effect of missense changes on protein structure and function (PolyPhen-2) suggests that this variant is likely to be disruptive. In summary, the available evidence is currently insufficient to determine the role of this variant in disease. Therefore, it has been classified as a Variant of Uncertain Significance.

NM_177972.3(TUB):c.833G>A (p.Arg278Gln)

Genes: RIC3 (RIC3 acetylcholine receptor chaperone; minus strand), TUB (TUB bipartite transcription factor; plus strand). Cytogenetic location: 11p15.4.
Variant type: single nucleotide variant.
Coding change: c.833G>A on transcript NM_177972.3 (MANE Select); coding-DNA position 833, G replaced by A.
Protein change: p.Arg278Gln; replaces arginine 278 with glutamine.
Molecular consequence: missense variant.
Genome position (GRCh38, 1-based): chr11:8,097,373, G>A. VCF-style: chr11-8097373-G-A. GRCh37 (hg19) VCF-style: chr11-8118920-G-A.
Other names: c.998G>A, p.Arg333Gln (NM_003320.5); c.998G>A (NM_003320.4); short protein forms R278Q, R333Q.
Identifiers: ClinVar variation 1025993 (VCV001025993.10), dbSNP rs371203227, ClinGen allele CA5871241.
Genomic context (GRCh38, chr11:8,097,373, plus strand): 5'-CGGCCCCCCAGGGTATCACCATCAAATGCCGCATCACTCGGGACAAGAAAGGGATGGACC[G>A]GGGCATGTACCCCACCTACTTTCTGCACCTGGACCGTGAGGATGGGAAGAAGGTAAGGTT-3'
Protein context (NP_813977.1, residues 268-288): RITRDKKGMD[Arg278Gln]GMYPTYFLHL